The following is an entry in ClinVar:

ClinVar aggregate classification (germline): Conflicting classifications of pathogenicity. Review status: criteria provided, conflicting classifications (1 of 4 stars). 5 submissions from 5 submitters: Pathogenic (1); Likely pathogenic (2); Uncertain significance (1). 1 of the submissions does not count toward it. Last evaluated 2025-07-02.

Conditions:
Neonatal intrahepatic cholestasis due to citrin deficiency (CDNI). Also called: Neonatal Intrahepatic Cholestasis Caused by Citrin Deficiency (NICCD); Neonatal-onset citrullinemia type II; Neonatal-onset citrullinemia type 2; CITRIN DEFICIENCY, NEONATAL OR INFANTILE ONSET. Identifiers: Orphanet 247598, MedGen C1853942, MONDO:0011601, OMIM 605814.
Citrullinemia, type II, adult-onset (CDAA). Also called: CITRIN DEFICIENCY, ADOLESCENT OR ADULT ONSET. Identifiers: Orphanet 247585, MedGen CN295299, MONDO:0011326, OMIM 603471.
Citrin deficiency. Identifiers: Orphanet 247582, MedGen C1997910, MONDO:0016602.

Allele frequency attached by ClinVar (database versions not stated): gnomAD 0.00001; TOPMed 0.00001.
gnomAD v4.1: 7 of 1,613,988 alleles (0.00043%); highest among the groups gnomAD compares: East Asian, 0.0022%; no homozygotes.

Submissions (5):

Women's Health and Genetics/Laboratory Corporation of America, LabCorp
Classification: Uncertain significance. Last evaluated: 2025-07-02. Review status: criteria provided, single submitter. Criteria: LabCorp Variant Classification Summary - May 2015. Collection method: clinical testing. Allele origin: germline.
Comment: Variant summary: SLC25A13 c.1801G>A (p.Glu601Lys) results in a conservative amino acid change in the encoded protein sequence. Algorithms developed to predict the effect of missense changes on protein structure and function are either unavailable or do not agree on the potential impact of this missense change. The variant was absent in 251090 control chromosomes. c.1801G>A has been reported in the literature in the singly heterozygous or presumed compound heterozygous state in multiple individuals affected with Citrullinemia Type II (e.g., Kobayashi_2003, Chen_2013, Saheki_2002, Yamaguchi_2002, Fu_2011). These data indicate that the variant may be associated with disease. Functional analysis found that a yeast strain lacking the corresponding gene could not grow when this variant was introduced during complementation analysis, suggesting a lethal metabolic defect in this model system; protein levels were not impacted when strains were grown with adequate supplementation (e.g., Wongkittichote_2013). In patient cells presumed compound heterozygous with p.Leu85Pro protein levels were undetectable (e.g., Fu_2011) however the mechanism of protein loss/instability was not explored. The following publications have been ascertained in the context of this evaluation (PMID: 23901231, 20927635, 14680984, 12111366, 23053473, 11793471). ClinVar contains an entry for this variant (Variation ID: 21512). Based on the evidence outlined above, the variant was classified as VUS-possibly pathogenic.

Fulgent Genetics
Classification: Likely pathogenic for Citrullinemia, type II, adult-onset; Neonatal intrahepatic cholestasis due to citrin deficiency. Last evaluated: 2024-05-22. Review status: criteria provided, single submitter. Criteria: ACMG Guidelines, 2015. Collection method: clinical testing. Allele origin: germline.

Baylor Genetics
Classification: Pathogenic for Citrullinemia, type II, adult-onset. Last evaluated: 2024-03-16. Review status: criteria provided, single submitter. Criteria: ACMG Guidelines, 2015. Collection method: clinical testing. Allele origin: unknown.

Labcorp Genetics (formerly Invitae), Labcorp
Classification: Likely pathogenic for Citrin deficiency. Last evaluated: 2023-10-05. Review status: criteria provided, single submitter. Criteria: Invitae Variant Classification Sherloc (09022015). Collection method: clinical testing. Allele origin: germline.
Comment: This sequence change replaces glutamic acid, which is acidic and polar, with lysine, which is basic and polar, at codon 601 of the SLC25A13 protein (p.Glu601Lys). This variant is present in population databases (rs80338727, gnomAD 0.01%). This missense change has been observed in individuals with clinical features of citrin deficiency (PMID: 11793471, 14680984, 20927635). ClinVar contains an entry for this variant (Variation ID: 21512). Advanced modeling of protein sequence and biophysical properties (such as structural, functional, and spatial information, amino acid conservation, physicochemical variation, residue mobility, and thermodynamic stability) performed at Invitae indicates that this missense variant is expected to disrupt SLC25A13 protein function. Experimental studies have shown that this missense change affects SLC25A13 function (PMID: 23053473). In summary, the currently available evidence indicates that the variant is pathogenic, but additional data are needed to prove that conclusively. Therefore, this variant has been classified as Likely Pathogenic.

GeneReviews
No classification provided. Condition: Neonatal intrahepatic cholestasis due to citrin deficiency. Review status: no classification provided. Collection method: literature only. Allele origin: unknown. Not counted in ClinVar's aggregate classification.

Literature cited by the submitters: PubMed 23053473 (cited by Women's Health and Genetics/Laboratory Corporation of America, LabCorp and Labcorp Genetics (formerly Invitae), Labcorp); PubMed 14680984 (cited by Women's Health and Genetics/Laboratory Corporation of America, LabCorp and Labcorp Genetics (formerly Invitae), Labcorp); PubMed 23901231 (cited by Women's Health and Genetics/Laboratory Corporation of America, LabCorp); PubMed 20927635 (cited by Women's Health and Genetics/Laboratory Corporation of America, LabCorp and Labcorp Genetics (formerly Invitae), Labcorp); PubMed 12111366 (cited by Women's Health and Genetics/Laboratory Corporation of America, LabCorp); PubMed 11793471 (cited by 3 submitters); PubMed 20301360 (cited by GeneReviews); NCBI Bookshelf NBK1181 (cited by GeneReviews).

NM_014251.3(SLC25A13):c.1801G>A (p.Glu601Lys)

Gene: SLC25A13 (solute carrier family 25 member 13; minus strand). Cytogenetic location: 7q21.3.
Variant type: single nucleotide variant.
Coding change: c.1801G>A on transcript NM_014251.3 (MANE Select); coding-DNA position 1801, G replaced by A.
Protein change: p.Glu601Lys; replaces glutamic acid 601 with lysine.
Molecular consequence: missense variant. On other transcripts: non-coding transcript variant (1).
Genome position (GRCh38, 1-based): chr7:96,121,695, C>T on the plus strand (G>A on the coding strand, the complement: SLC25A13 is on the minus strand). VCF-style: chr7-96121695-C-T. GRCh37 (hg19) VCF-style: chr7-95751007-C-T.
Other names: c.1804G>A, p.Glu602Lys (NM_001160210.2); short protein forms E601K, E602K.
Identifiers: ClinVar variation 21512 (VCV000021512.16), dbSNP rs80338727, ClinGen allele CA342154.